The following is an entry in ClinVar:

ClinVar aggregate classification (germline): Uncertain significance (1 of 4 stars; one submission).

Submission:

Women's Health and Genetics/Laboratory Corporation of America, LabCorp
Classification: Uncertain significance. Last evaluated: 2024-07-23. Review status: criteria provided, single submitter. Criteria: LabCorp Variant Classification Summary - May 2015. Collection method: clinical testing. Allele origin: germline.
Comment: Variant summary: ZNF644 c.19C>T (p.Gln7X) results in a premature termination codon, predicted to cause absence of the protein due to nonsense mediated decay, however the molecular mechanism of disease attributed to ZNF644 is currently unknown. The variant was absent in 248948 control chromosomes. The available data on variant occurrences in the general population are insufficient to allow any conclusion about variant significance. To our knowledge, no occurrence of c.19C>T in individuals affected with Myopia 21, Autosomal Dominant and no experimental evidence demonstrating its impact on protein function have been reported. No submitters have cited clinical-significance assessments for this variant to ClinVar. Based on the evidence outlined above, the variant was classified as uncertain significance.

NM_201269.3(ZNF644):c.19C>T (p.Gln7Ter)

Gene: ZNF644 (zinc finger protein 644; minus strand). Cytogenetic location: 1p22.2.
Variant type: single nucleotide variant.
Coding change: c.19C>T on transcript NM_201269.3 (MANE Select); coding-DNA position 19, C replaced by T.
Protein change: p.Gln7Ter; replaces glutamine 7 with a stop codon.
Molecular consequence: nonsense. On other transcripts: 5 prime UTR variant (2).
Genome position (GRCh38, 1-based): chr1:90,982,335, G>A on the plus strand (C>T on the coding strand, the complement: ZNF644 is on the minus strand). VCF-style: chr1-90982335-G-A. GRCh37 (hg19) VCF-style: chr1-91447892-G-A.
Other names: c.-4C>T (NM_016620.4, NM_032186.5); short protein forms Q7*.
Identifiers: ClinVar variation 3339398 (VCV003339398.1).